The following is an entry in ClinVar:

ClinVar aggregate classification (germline): Pathogenic/Likely pathogenic. Review status: criteria provided, multiple submitters, no conflicts (2 of 4 stars). 11 submissions from 10 submitters: Pathogenic (5); Likely pathogenic (5). 1 of the submissions does not count toward it. Last evaluated 2025-12-31.

Conditions:
Retinitis pigmentosa 26 (RP26). Identifiers: Orphanet 791, MedGen C1842127, MONDO:0012024, OMIM 608380.
Retinitis pigmentosa (RP). Identifiers: Orphanet 791, MedGen C0035334, MeSH D012174, MONDO:0019200, OMIM 268000. Inheritance: Autosomal dominant, autosomal recessive and X linked inheritance.
CERKL-related disorders.
Cone dystrophy. Identifiers: Orphanet 1871, MedGen C0730290, MONDO:0000455.
Retinal pigment epithelial atrophy. Identifiers: MedGen C1840457, HP:0007722.

Allele frequency attached by ClinVar (database versions not stated): TOPMed 0.00001; gnomAD 0.00002; ExAC 0.01670.

Submissions (11):

Natera, Inc.
Classification: Pathogenic for Retinitis Pigmentosa 26. Last evaluated: 2025-12-31. Review status: criteria provided, single submitter. Criteria: Natera Variant Classification Schema (03/2026). Collection method: clinical testing. Allele origin: germline.
Comment: The c.481+2T>G variant in CERKL is a canonical splice donor site variant predicted to affect pre-mRNA splicing, which may result in an abnormal transcript and altered protein product. This variant is expected to result in nonsense mediated decay, truncation, or a dysfunctional protein product. This variant is rare in the general population with a frequency below the threshold expected for the associated phenotype(s). This variant has been observed in one or more individuals affected with the associated recessive disease, as either homozygous or compound heterozygous with a second variant (PMID: 28838317, 32531858, 38540785). Given the available evidence, this variant is classified as Pathogenic.

Labcorp Genetics (formerly Invitae), Labcorp
Classification: Pathogenic. Last evaluated: 2025-05-05. Review status: criteria provided, single submitter. Criteria: Invitae Variant Classification Sherloc (09022015). Collection method: clinical testing. Allele origin: germline.
Comment: This sequence change affects a donor splice site in intron 2 of the CERKL gene. It is expected to disrupt RNA splicing. Variants that disrupt the donor or acceptor splice site typically lead to a loss of protein function (PMID: 16199547), and loss-of-function variants in CERKL are known to be pathogenic (PMID: 14681825, 23591405, 24043777). The frequency data for this variant in the population databases is considered unreliable, as metrics indicate poor data quality at this position in the gnomAD database. Disruption of this splice site has been observed in individual(s) with clinical features of CERKL-related conditions (PMID: 23591405, 28838317, 30718709, 32531858, 33921607). It has also been observed to segregate with disease in related individuals. ClinVar contains an entry for this variant (Variation ID: 523393). Algorithms developed to predict the effect of sequence changes on RNA splicing suggest that this variant may disrupt the consensus splice site. For these reasons, this variant has been classified as Pathogenic.

Fulgent Genetics
Classification: Likely pathogenic for Retinitis pigmentosa 26. Last evaluated: 2024-03-23. Review status: criteria provided, single submitter. Criteria: ACMG Guidelines, 2015. Collection method: clinical testing. Allele origin: germline.

CeGaT Center for Human Genetics Tuebingen
Classification: Pathogenic. Last evaluated: 2024-03-01. Review status: criteria provided, single submitter. Criteria: CeGaT Center For Human Genetics Tuebingen Variant Classification Criteria Version 2. Collection method: clinical testing. Allele origin: germline. Affected: yes. Observed: 3 variant alleles.
Comment: CERKL: PM3:Strong, PVS1:Strong, PM2

Baylor Genetics
Classification: Likely pathogenic for Retinitis pigmentosa 26. Last evaluated: 2023-12-26. Review status: criteria provided, single submitter. Criteria: ACMG Guidelines, 2015. Collection method: clinical testing. Allele origin: unknown.

Blueprint Genetics
Classification: Likely pathogenic for CERKL-related disorders. Last evaluated: 2023-11-10. Review status: criteria provided, single submitter. Criteria: ACMG Guidelines, 2015. Collection method: clinical testing. Allele origin: germline. Affected: yes. Observed: 2 variant alleles.

Institute of Medical Genetics and Applied Genomics, University Hospital Tübingen
Classification: Likely pathogenic for Retinitis pigmentosa. Last evaluated: 2023-08-09. Review status: criteria provided, single submitter. Criteria: ACMG Guidelines, 2015. Collection method: clinical testing. Allele origin: germline. Inheritance: Autosomal recessive inheritance. Affected: yes.

Mendelics
Classification: Likely pathogenic for Retinitis pigmentosa 26. Last evaluated: 2022-10-21. Review status: criteria provided, single submitter. Criteria: Mendelics Assertion Criteria 2017. Collection method: clinical testing. Allele origin: unknown.

Centre for Mendelian Genomics, University Medical Centre Ljubljana
Classification: Pathogenic for Cone-rod dystrophy; Retinal pigment epithelial atrophy. Last evaluated: 2017-01-01. Review status: criteria provided, single submitter. Criteria: ACMG Guidelines, 2015. Collection method: clinical testing. Allele origin: unknown. Affected: yes.

Centre for Mendelian Genomics, University Medical Centre Ljubljana
Classification: Pathogenic for Retinitis pigmentosa 26. Last evaluated: 2016-01-01. Review status: criteria provided, single submitter. Criteria: ACMG Guidelines, 2015. Collection method: clinical testing. Allele origin: unknown. Affected: yes.
Comment: This variant was classified as: Pathogenic. The following ACMG criteria were applied in classifying this variant: PVS1,PS1,PP3.

Department of Clinical Genetics, Copenhagen University Hospital, Rigshospitalet
Classification: Likely pathogenic for Retinitis pigmentosa. Last evaluated: 2018-04-01. Review status: no assertion criteria provided. Collection method: research. Allele origin: unknown. Affected: yes. Study: VeluxRD. Not counted in ClinVar's aggregate classification.

Literature cited by the submitters: PubMed 28838317 (cited by Natera, Inc. and Labcorp Genetics (formerly Invitae), Labcorp); PubMed 32531858 (cited by Natera, Inc. and Labcorp Genetics (formerly Invitae), Labcorp); PubMed 38540785 (cited by Natera, Inc.); PubMed 16199547 (cited by Labcorp Genetics (formerly Invitae), Labcorp); PubMed 14681825 (cited by Labcorp Genetics (formerly Invitae), Labcorp); PubMed 23591405 (cited by Labcorp Genetics (formerly Invitae), Labcorp); PubMed 24043777 (cited by Labcorp Genetics (formerly Invitae), Labcorp); PubMed 30718709 (cited by Labcorp Genetics (formerly Invitae), Labcorp and Department of Clinical Genetics, Copenhagen University Hospital, Rigshospitalet); PubMed 33921607 (cited by Labcorp Genetics (formerly Invitae), Labcorp).

NM_201548.5(CERKL):c.481+2T>G

Gene: CERKL (CERK like autophagy regulator; minus strand). Cytogenetic location: 2q31.3.
Variant type: single nucleotide variant.
Coding change: c.481+2T>G on transcript NM_201548.5 (MANE Select); the canonical splice donor site of the intron after coding-DNA position 481, T replaced by G.
Molecular consequence: splice donor variant.
Genome position (GRCh38, 1-based): chr2:181,603,835, A>C on the plus strand (T>G on the coding strand, the complement: CERKL is on the minus strand). VCF-style: chr2-181603835-A-C. GRCh37 (hg19) VCF-style: chr2-182468562-A-C.
Other names: c.481+2T>G (NM_001030312.3, NM_001160277.2, NM_001030313.3 and 1 more transcripts).
Identifiers: ClinVar variation 523393 (VCV000523393.60), dbSNP rs753994107, ClinGen allele CA2010833.